The following is an entry in ClinVar:

NM_015102.5(NPHP4):c.3472+5G>C

Gene: NPHP4 (nephrocystin 4; minus strand). Cytogenetic location: 1p36.31.
Variant type: single nucleotide variant.
Coding change: c.3472+5G>C on transcript NM_015102.5 (MANE Select); 5 bases into the intron after coding-DNA position 3472, G replaced by C.
Molecular consequence: intron variant.
Genome position (GRCh38, 1-based): chr1:5,867,735, C>G on the plus strand (G>C on the coding strand, the complement: NPHP4 is on the minus strand). VCF-style: chr1-5867735-C-G. GRCh37 (hg19) VCF-style: chr1-5927795-C-G.
Other names: c.1936+5G>C (NM_001291594.2); c.1933+5G>C (NM_001291593.2).
Identifiers: ClinVar variation 5001952 (VCV005001952.1).
Genomic context (GRCh38, chr1:5,867,735, plus strand): 5'-AGAGGTATCTACTTCCAACAGGTGAGCCTGCAACATGTGGGCTGCAGGGTCAGTGCAGGA[C>G]CTGCCTGGAAATGTGTGCCAGGGCGGCAGGCGGATGGCCTTCTTCAGGAAGGAGAGCTCC-3'

ClinVar aggregate classification (germline): Uncertain significance (1 of 4 stars; one submission).

Conditions:
NPHP4-related disorder. Also called: NPHP4-related disorders; NPHP4-related condition. Identifiers: MedGen CN239384.

Submission:

PreventionGenetics, part of Exact Sciences
Classification: Uncertain significance for NPHP4-related condition. Last evaluated: 2025-05-14. Review status: criteria provided, single submitter. Criteria: ACMG Guidelines, 2015. Collection method: clinical testing. Allele origin: germline.
Comment: The NPHP4 c.3472+5G>C variant is predicted to interfere with splicing. To our knowledge, this variant has not been reported in the literature or in a large population database (gnomAD), indicating this variant is rare. At this time, the clinical significance of this variant is uncertain due to the absence of conclusive functional and genetic evidence.